The following is an entry in ClinVar:

ClinVar aggregate classification (germline): Uncertain significance (1 of 4 stars; one submission).

Submission:

Labcorp Genetics (formerly Invitae), Labcorp
Classification: Uncertain significance. Last evaluated: 2023-06-10. Review status: criteria provided, single submitter. Criteria: Invitae Variant Classification Sherloc (09022015). Collection method: clinical testing. Allele origin: germline.
Comment: In summary, the available evidence is currently insufficient to determine the role of this variant in disease. Therefore, it has been classified as a Variant of Uncertain Significance. Algorithms developed to predict the effect of sequence changes on RNA splicing suggest that this variant may create or strengthen a splice site. This variant has not been reported in the literature in individuals affected with MTOR-related conditions. This variant is not present in population databases (gnomAD no frequency). This sequence change affects codon 1580 of the MTOR mRNA. It is a 'silent' change, meaning that it does not change the encoded amino acid sequence of the MTOR protein.

NM_004958.4(MTOR):c.4740A>T (p.Gly1580=)

Genes: MTOR (mechanistic target of rapamycin kinase; minus strand), MTOR-AS1 (MTOR antisense RNA 1; plus strand). Cytogenetic location: 1p36.22.
Variant type: single nucleotide variant.
Coding change: c.4740A>T on transcript NM_004958.4 (MANE Select); coding-DNA position 4740, A replaced by T.
Protein change: p.Gly1580=; no amino-acid change (glycine 1580 retained).
Molecular consequence: synonymous variant.
Genome position (GRCh38, 1-based): chr1:11,144,992, T>A on the plus strand (A>T on the coding strand, the complement: MTOR is on the minus strand). VCF-style: chr1-11144992-T-A. GRCh37 (hg19) VCF-style: chr1-11205049-T-A.
Other names: c.4740A>T, p.Gly1580= (NM_001386500.1); c.3492A>T, p.Gly1164= (NM_001386501.1).
Identifiers: ClinVar variation 2710248 (VCV002710248.3), dbSNP rs769036111, ClinGen allele CA415909398.